The following is an entry in ClinVar:

NM_016341.4(PLCE1):c.1207-42834G>A

Genes: PLCE1 (phospholipase C epsilon 1; plus strand), PLCE1-AS2 (PLCE1 antisense RNA 2; minus strand). Cytogenetic location: 10q23.33.
Variant type: single nucleotide variant.
Coding change: c.1207-42834G>A on transcript NM_016341.4 (MANE Select); 42834 bases into the intron before coding-DNA position 1207, G replaced by A.
Molecular consequence: intron variant. On other transcripts: synonymous variant (1).
Genome position (GRCh38, 1-based): chr10:94,089,340, G>A. VCF-style: chr10-94089340-G-A. GRCh37 (hg19) VCF-style: chr10-95849097-G-A.
Other names: c.246G>A, p.Lys82= (NM_001165979.2); c.1207-42834G>A (NM_001288989.2).
Identifiers: ClinVar variation 1182170 (VCV001182170.9), dbSNP rs41291124, ClinGen allele CA5612299.

ClinVar aggregate classification (germline): Benign/Likely benign. Review status: criteria provided, multiple submitters, no conflicts (2 of 4 stars). 4 submissions from 4 submitters: Benign (1); Likely benign (3). Last evaluated 2026-05-01.

Allele frequency attached by ClinVar (database versions not stated): gnomAD exomes 0.00700 and 0.00748; ExAC 0.00702; 1000 Genomes Project 30x 0.00718; 1000 Genomes Project 0.00739; gnomAD 0.00933 and 0.00943; TOPMed 0.00998; ESP Exome Variant Server 0.01000.
gnomAD v4.1: 12,509 of 1,611,550 alleles (0.78%); highest among the groups gnomAD compares: Middle Eastern, 3%; 75 homozygotes.

Submissions (4):

CeGaT Center for Human Genetics Tuebingen
Classification: Benign. Last evaluated: 2026-05-01. Review status: criteria provided, single submitter. Criteria: CeGaT Center For Human Genetics Tuebingen Variant Classification Criteria Version 2. Collection method: clinical testing. Allele origin: germline. Affected: yes. Observed: 4 variant alleles.
Comment: PLCE1: BP4, BP7, BS1, BS2

Blueprint Genetics
Classification: Likely benign. Last evaluated: 2024-11-27. Review status: criteria provided, single submitter. Criteria: ACMG Guidelines, 2015. Collection method: clinical testing. Allele origin: germline.

GeneDx
Classification: Likely benign. Last evaluated: 2020-02-20. Review status: criteria provided, single submitter. Criteria: GeneDx Variant Classification Process June 2021. Collection method: clinical testing. Allele origin: germline. Affected: yes.

Breakthrough Genomics
Classification: Likely benign. Review status: criteria provided, single submitter. Criteria: ACMG Guidelines, 2015. Collection method: not provided. Allele origin: germline. Inheritance: Autosomal recessive inheritance. Affected: yes.